The following is an entry in ClinVar:

ClinVar aggregate classification (germline): Benign (1 of 4 stars; one submission).

Submission:

Unidad de Genómica Garrahan, Hospital de Pediatría Garrahan
Classification: Benign. Last evaluated: 2023-11-12. Review status: criteria provided, single submitter. Criteria: ACMG Guidelines, 2015. Collection method: clinical testing. Allele origin: germline. Affected: no. Observed: 33 variant alleles.
Comment: This variant is classified as Benign based on local population frequency. This variant was detected in 34% of patients studied by a panel of primary immunodeficiencies. Number of patients: 33. Only high quality variants are reported.

NM_001330588.2(TPP2):c.2176-87_2176-86insTA

Gene: TPP2 (tripeptidyl peptidase 2; plus strand). Cytogenetic location: 13q33.1.
Variant type: Insertion.
Coding change: c.2176-87_2176-86insTA on transcript NM_001330588.2 (MANE Select); 87 bases into the intron before coding-DNA position 2176 through 86 bases into the intron before coding-DNA position 2176, TA inserted.
Molecular consequence: intron variant.
Genome position: GRCh38 VCF-style: chr13-102644469-C-CAT. GRCh37 (hg19) VCF-style: chr13-103296819-C-CAT.
Other names: c.2176-87_2176-86insTA (NM_001367947.1, NM_003291.4).
Identifiers: ClinVar variation 2628224 (VCV002628224.2), dbSNP rs2308264, ClinGen allele CA255164436.